The following is an entry in ClinVar:

NM_002633.3(PGM1):c.-41G>A

Genes: PGM1 (phosphoglucomutase 1; plus strand), LOC129930668 (ATAC-STARR-seq lymphoblastoid active region 1127; plus strand). Cytogenetic location: 1p31.3.
Variant type: single nucleotide variant.
Coding change: c.-41G>A on transcript NM_002633.3 (MANE Select); 41 bases upstream of the start codon, G replaced by A.
Molecular consequence: 5 prime UTR variant.
Genome position (GRCh38, 1-based): chr1:63,593,448, G>A. VCF-style: chr1-63593448-G-A. GRCh37 (hg19) VCF-style: chr1-64059119-G-A.
Identifiers: ClinVar variation 668472 (VCV000668472.1), dbSNP rs201805940, ClinGen allele CA889320.

ClinVar aggregate classification (germline): Likely benign (1 of 4 stars; one submission).

Allele frequency attached by ClinVar (database versions not stated): gnomAD exomes 0.00007 and 0.00010; ExAC 0.00015; 1000 Genomes Project 30x 0.00031; gnomAD 0.00038 and 0.00041; TOPMed 0.00038; 1000 Genomes Project 0.00040; ESP Exome Variant Server 0.00046.

Submission:

GeneDx
Classification: Likely benign. Last evaluated: 2018-05-18. Review status: criteria provided, single submitter. Criteria: GeneDx Variant Classification (06012015). Collection method: clinical testing. Allele origin: germline. Affected: yes.
Comment: This variant is considered likely benign or benign based on one or more of the following criteria: it is a conservative change, it occurs at a poorly conserved position in the protein, it is predicted to be benign by multiple in silico algorithms, and/or has population frequency not consistent with disease.